The following is an entry in ClinVar:

NM_030665.4(RAI1):c.2430C>T (p.Phe810=)

Gene: RAI1 (retinoic acid induced 1; plus strand). Cytogenetic location: 17p11.2.
Variant type: single nucleotide variant.
Coding change: c.2430C>T on transcript NM_030665.4 (MANE Select); coding-DNA position 2430, C replaced by T.
Protein change: p.Phe810=; no amino-acid change (phenylalanine 810 retained).
Molecular consequence: synonymous variant.
Genome position (GRCh38, 1-based): chr17:17,795,378, C>T. VCF-style: chr17-17795378-C-T. GRCh37 (hg19) VCF-style: chr17-17698692-C-T.
Other names: c.2430C>T (NM_030665.3).
Identifiers: ClinVar variation 1656528 (VCV001656528.9), dbSNP rs769527707, ClinGen allele CA8418537.
Genomic context (GRCh38, chr17:17,795,378, plus strand): 5'-CCTGGGCTTCCAGGAGGAGGACCCCCCTGGGGAGAAGGTGGCCTCGTTGCCCGGGGACTT[C>T]AAGCAGGAGGAGGTGGGTGGGGTGAAGGAGGAGGCAGGTGGGCTGCTGCAGTGCCCCGAG-3'
Protein context (NP_109590.3, residues 800-820): GEKVASLPGD[Phe810=]KQEEVGGVKE

ClinVar aggregate classification (germline): Likely benign. Review status: criteria provided, multiple submitters, no conflicts (2 of 4 stars). 2 submissions from 2 submitters: Likely benign (2). Last evaluated 2025-12-16.

Conditions:
RAI1-related disorder. Also called: RAI1-related condition.

Allele frequency attached by ClinVar (database versions not stated): ExAC 0.00001; gnomAD exomes 0.00001 and 0.00002.
gnomAD v4.1: 14 of 1,593,780 alleles (0.00088%); highest among the groups gnomAD compares: African/African-American, 0.013%; no homozygotes.

Submissions (2):

Labcorp Genetics (formerly Invitae), Labcorp
Classification: Likely benign. Last evaluated: 2025-12-16. Review status: criteria provided, single submitter. Criteria: Invitae Variant Classification Sherloc (09022015). Collection method: clinical testing. Allele origin: germline.

PreventionGenetics, part of Exact Sciences
Classification: Likely benign for RAI1-related condition. Last evaluated: 2024-11-11. Review status: criteria provided, single submitter. Criteria: ACMG Guidelines, 2015. Collection method: clinical testing. Allele origin: germline.
Comment: This variant is classified as likely benign based on ACMG/AMP sequence variant interpretation guidelines (Richards et al. 2015 PMID: 25741868, with internal and published modifications).